The following is an entry in ClinVar:

ClinVar aggregate classification (germline): Uncertain significance (1 of 4 stars; one submission).

Submission:

Labcorp Genetics (formerly Invitae), Labcorp
Classification: Uncertain significance. Last evaluated: 2022-02-05. Review status: criteria provided, single submitter. Criteria: Invitae Variant Classification Sherloc (09022015). Collection method: clinical testing. Allele origin: germline.
Comment: This sequence change replaces leucine, which is neutral and non-polar, with phenylalanine, which is neutral and non-polar, at codon 662 of the NEDD4L protein (p.Leu662Phe). This variant is not present in population databases (gnomAD no frequency). In summary, the available evidence is currently insufficient to determine the role of this variant in disease. Therefore, it has been classified as a Variant of Uncertain Significance. Algorithms developed to predict the effect of missense changes on protein structure and function are either unavailable or do not agree on the potential impact of this missense change (SIFT: "Deleterious"; PolyPhen-2: "Probably Damaging"; Align-GVGD: "Class C15"). ClinVar contains an entry for this variant (Variation ID: 835337). This variant has not been reported in the literature in individuals affected with NEDD4L-related conditions.

NM_001144967.3(NEDD4L):c.2044C>T (p.Leu682Phe)

Gene: NEDD4L (NEDD4 like E3 ubiquitin protein ligase; plus strand). Cytogenetic location: 18q21.31.
Variant type: single nucleotide variant.
Coding change: c.2044C>T on transcript NM_001144967.3 (MANE Select); coding-DNA position 2044, C replaced by T.
Protein change: p.Leu682Phe; replaces leucine 682 with phenylalanine.
Molecular consequence: missense variant.
Genome position (GRCh38, 1-based): chr18:58,366,209, C>T. VCF-style: chr18-58366209-C-T. GRCh37 (hg19) VCF-style: chr18-56033441-C-T.
Other names: c.1681C>T, p.Leu561Phe (NM_001144964.1, NM_001144965.2, NM_001144966.3); c.2020C>T, p.Leu674Phe (NM_001144968.2); c.1960C>T, p.Leu654Phe (NM_001144969.2); c.1621C>T, p.Leu541Phe (NM_001144970.3, NM_001144971.2); c.1852C>T, p.Leu618Phe (NM_001243960.2); c.1984C>T, p.Leu662Phe (NM_015277.6); short protein forms L541F, L654F, L662F, L674F, L561F, L618F, L682F.
Identifiers: ClinVar variation 835337 (VCV000835337.9), dbSNP rs2046085665, ClinGen allele CA402548467.